The following is an entry in ClinVar:

NM_033109.5(PNPT1):c.1716G>T (p.Met572Ile)

Gene: PNPT1 (polyribonucleotide nucleotidyltransferase 1; minus strand). Cytogenetic location: 2p16.1.
Variant type: single nucleotide variant.
Coding change: c.1716G>T on transcript NM_033109.5 (MANE Select); coding-DNA position 1716, G replaced by T.
Protein change: p.Met572Ile; replaces methionine 572 with isoleucine.
Molecular consequence: missense variant.
Genome position (GRCh38, 1-based): chr2:55,646,281, C>A on the plus strand (G>T on the coding strand, the complement: PNPT1 is on the minus strand). VCF-style: chr2-55646281-C-A. GRCh37 (hg19) VCF-style: chr2-55873416-C-A.
Other names: short protein forms M572I.
Identifiers: ClinVar variation 2050522 (VCV002050522.1), dbSNP rs759919560, ClinGen allele CA47651489.

ClinVar aggregate classification (germline): Uncertain significance (1 of 4 stars; one submission).

Allele frequency attached by ClinVar (database versions not stated): gnomAD exomes 0.00001.
gnomAD v4.1: 8 of 1,613,240 alleles (0.0005%); highest among the groups gnomAD compares: Non-Finnish European, 0.00068%; no homozygotes.

Submission:

Labcorp Genetics (formerly Invitae), Labcorp
Classification: Uncertain significance. Last evaluated: 2022-04-09. Review status: criteria provided, single submitter. Criteria: Invitae Variant Classification Sherloc (09022015). Collection method: clinical testing. Allele origin: germline.
Comment: This sequence change replaces methionine, which is neutral and non-polar, with isoleucine, which is neutral and non-polar, at codon 572 of the PNPT1 protein (p.Met572Ile). This variant is not present in population databases (gnomAD no frequency). This variant has not been reported in the literature in individuals affected with PNPT1-related conditions. Advanced modeling of protein sequence and biophysical properties (such as structural, functional, and spatial information, amino acid conservation, physicochemical variation, residue mobility, and thermodynamic stability) performed at Invitae indicates that this missense variant is not expected to disrupt PNPT1 protein function. In summary, the available evidence is currently insufficient to determine the role of this variant in disease. Therefore, it has been classified as a Variant of Uncertain Significance.